The following is an entry in ClinVar:

ClinVar aggregate classification (germline): Uncertain significance (1 of 4 stars; one submission).

Conditions:
Duchenne muscular dystrophy (DMD). Also called: MUSCULAR DYSTROPHY, PSEUDOHYPERTROPHIC PROGRESSIVE, DUCHENNE TYPE; Duchenne Muscular Dystrophy (DMD). Identifiers: Orphanet 98896, MedGen C0013264, MONDO:0010679, OMIM 310200.

Submission:

Labcorp Genetics (formerly Invitae), Labcorp
Classification: Uncertain significance for Duchenne muscular dystrophy. Last evaluated: 2022-07-05. Review status: criteria provided, single submitter. Criteria: Invitae Variant Classification Sherloc (09022015). Collection method: clinical testing. Allele origin: germline.
Comment: This variant has not been reported in the literature in individuals affected with DMD-related conditions. This variant is not present in population databases (gnomAD no frequency). This sequence change replaces glutamine, which is neutral and polar, with histidine, which is basic and polar, at codon 568 of the DMD protein (p.Gln568His). This variant also falls at the last nucleotide of exon 14, which is part of the consensus splice site for this exon. ClinVar contains an entry for this variant (Variation ID: 642276). In summary, the available evidence is currently insufficient to determine the role of this variant in disease. Therefore, it has been classified as a Variant of Uncertain Significance. Variants that disrupt the consensus splice site are a relatively common cause of aberrant splicing (PMID: 17576681, 9536098). Algorithms developed to predict the effect of sequence changes on RNA splicing suggest that this variant may disrupt the consensus splice site. Algorithms developed to predict the effect of missense changes on protein structure and function are either unavailable or do not agree on the potential impact of this missense change (SIFT: "Deleterious"; PolyPhen-2: "Possibly Damaging"; Align-GVGD: "Class C0").

Literature cited by the submitters: PubMed 17576681; PubMed 9536098.

NM_004006.3(DMD):c.1704G>C (p.Gln568His)

Gene: DMD (dystrophin; minus strand). Cytogenetic location: Xp21.1.
Variant type: single nucleotide variant.
Coding change: c.1704G>C on transcript NM_004006.3 (MANE Select); coding-DNA position 1704, G replaced by C.
Protein change: p.Gln568His; replaces glutamine 568 with histidine.
Molecular consequence: missense variant.
Genome position (GRCh38, 1-based): chrX:32,573,745, C>G on the plus strand (G>C on the coding strand, the complement: DMD is on the minus strand). VCF-style: chrX-32573745-C-G. GRCh37 (hg19) VCF-style: chrX-32591862-C-G.
Other names: c.1680G>C, p.Gln560His (NM_000109.4); c.1692G>C, p.Gln564His (NM_004009.3); c.1335G>C, p.Gln445His (NM_004010.3); short protein forms Q560H, Q445H, Q568H, Q564H.
Identifiers: ClinVar variation 642276 (VCV000642276.9), dbSNP rs1601810379, ClinGen allele CA412673316.